The following is an entry in ClinVar:

ClinVar aggregate classification (germline): Uncertain significance (1 of 4 stars; one submission).

Conditions:
Familial thoracic aortic aneurysm and aortic dissection (TAAD). Also called: Thoracic aortic aneurysms and dissections. Identifiers: Orphanet 91387, MedGen C4707243, MONDO:0019625.

Submission:

Color Diagnostics, LLC DBA Color Health
Classification: Uncertain significance for Familial thoracic aortic aneurysm and aortic dissection. Last evaluated: 2025-02-23. Review status: criteria provided, single submitter. Criteria: ACMG Guidelines, 2015. Collection method: clinical testing. Allele origin: germline.
Comment: This missense variant replaces aspartic acid with glutamic acid at codon 1632 of the MYH11 protein. Computational prediction suggests that this variant may not impact protein structure and function (internally defined REVEL score threshold <= 0.5, PMID: 27666373). To our knowledge, functional studies have not been reported for this variant. This variant has not been reported in individuals affected with MYH11-related disorders in the literature. This variant has not been identified in the general population by the Genome Aggregation Database (gnomAD). The available evidence is insufficient to determine the role of this variant in disease conclusively. Therefore, this variant is classified as a Variant of Uncertain Significance.

NM_002474.3(MYH11):c.4875C>A (p.Asp1625Glu)

Genes: MYH11 (myosin heavy chain 11; minus strand), NDE1 (nudE neurodevelopment protein 1; plus strand). Cytogenetic location: 16p13.11.
Variant type: single nucleotide variant.
Coding change: c.4875C>A on transcript NM_002474.3 (MANE Select); coding-DNA position 4875, C replaced by A.
Protein change: p.Asp1625Glu; replaces aspartic acid 1625 with glutamic acid.
Molecular consequence: missense variant. On other transcripts: intron variant (2).
Genome position (GRCh38, 1-based): chr16:15,720,229, G>T on the plus strand (C>A on the coding strand, the complement: MYH11 is on the minus strand). VCF-style: chr16-15720229-G-T. GRCh37 (hg19) VCF-style: chr16-15814086-G-T.
Other names: c.4896C>A, p.Asp1632Glu (NM_001040113.2, NM_001040114.2); c.4875C>A, p.Asp1625Glu (NM_022844.3); c.948-3962G>T (NM_001143979.2, NM_017668.3); short protein forms D1625E, D1632E.
Identifiers: ClinVar variation 3893833 (VCV003893833.1).